The following is an entry in ClinVar:

ClinVar aggregate classification (germline): Uncertain significance. Review status: criteria provided, multiple submitters, no conflicts (2 of 4 stars). 5 submissions from 5 submitters: Uncertain significance (5). Last evaluated 2025-10-05.

Conditions:
Catecholaminergic polymorphic ventricular tachycardia (CVPT). Also called: Catecholamine-induced polymorphic ventricular tachycardia. Identifiers: Orphanet 3286, MedGen C5574922, MONDO:0017990.
Cardiomyopathy (CMYO). Also called: Cardiomyopathies. Identifiers: Orphanet 167848, MedGen C0878544, MONDO:0004994, HP:0001638. Inheritance: Various modes of inheritance.
Catecholaminergic polymorphic ventricular tachycardia 1. Also called: RYR2-Related Catecholaminergic Polymorphic Ventricular Tachycardia; VENTRICULAR TACHYCARDIA, CATECHOLAMINERGIC POLYMORPHIC, 1, WITH OR WITHOUT ATRIAL DYSFUNCTION AND/OR DILATED CARDIOMYOPATHY; VENTRICULAR TACHYCARDIA, STRESS-INDUCED POLYMORPHIC 1. Identifiers: Orphanet 3286, MedGen C1631597, MONDO:0011484, OMIM 604772.
Cardiovascular phenotype. Identifiers: MedGen CN230736.

Allele frequency attached by ClinVar (database versions not stated): gnomAD exomes 0.00001; ExAC 0.00002; TOPMed 0.00002; gnomAD 0.00003.
gnomAD v4.1: 10 of 1,612,124 alleles (0.00062%); highest among the groups gnomAD compares: African/African-American, 0.0067%; no homozygotes.

Submissions (5):

Labcorp Genetics (formerly Invitae), Labcorp
Classification: Uncertain significance for Catecholaminergic polymorphic ventricular tachycardia 1. Last evaluated: 2025-10-05. Review status: criteria provided, single submitter. Criteria: Invitae Variant Classification Sherloc (09022015). Collection method: clinical testing. Allele origin: germline.
Comment: This sequence change replaces alanine, which is neutral and non-polar, with serine, which is neutral and polar, at codon 442 of the RYR2 protein (p.Ala442Ser). This variant is present in population databases (rs747344666, gnomAD 0.006%). This variant has not been reported in the literature in individuals affected with RYR2-related conditions. ClinVar contains an entry for this variant (Variation ID: 658546). Invitae Evidence Modeling of protein sequence and biophysical properties (such as structural, functional, and spatial information, amino acid conservation, physicochemical variation, residue mobility, and thermodynamic stability) indicates that this missense variant is not expected to disrupt RYR2 protein function with a negative predictive value of 95%. In summary, the available evidence is currently insufficient to determine the role of this variant in disease. Therefore, it has been classified as a Variant of Uncertain Significance.

Women's Health and Genetics/Laboratory Corporation of America, LabCorp
Classification: Uncertain significance. Last evaluated: 2024-11-13. Review status: criteria provided, single submitter. Criteria: LabCorp Variant Classification Summary - May 2015. Collection method: clinical testing. Allele origin: germline.
Comment: Variant summary: RYR2 c.1324G>T (p.Ala442Ser) results in a conservative amino acid change in the encoded protein sequence. Five of five in-silico tools predict a benign effect of the variant on protein function. The variant allele was found at a frequency of 1.2e-05 in 247346 control chromosomes. The available data on variant occurrences in the general population are insufficient to allow any conclusion about variant significance. To our knowledge, no occurrence of c.1324G>T in individuals affected with Catecholaminergic Polymorphic Ventricular Tachycardia and no experimental evidence demonstrating its impact on protein function have been reported. ClinVar contains an entry for this variant (Variation ID: 658546). Based on the evidence outlined above, the variant was classified as uncertain significance.

All of Us Research Program, National Institutes of Health
Classification: Uncertain significance for Catecholaminergic polymorphic ventricular tachycardia. Last evaluated: 2024-08-06. Review status: criteria provided, single submitter. Criteria: ACMG Guidelines, 2015. Collection method: clinical testing. Allele origin: germline. Inheritance: Autosomal dominant inheritance. Observed: 5 variant alleles, 5 heterozygotes.
Comment: Variant of Uncertain Significance due to insufficient evidence: This missense variant is located in the cytoplasmic domain of the RYR2 protein. Computational prediction tools and conservation analyses suggest that this variant may not impact the protein function. Computational splicing tools suggest that this variant may not impact RNA splicing. To our knowledge, functional assays have not been performed for this variant nor has this variant been reported in individuals affected with cardiovascular disorders in the literature. This variant has been identified in 4/275212 chromosomes in the general population by the Genome Aggregation Database (gnomAD). Available evidence is insufficient to determine the pathogenicity of this variant conclusively.

This study involves interpretation of variants in research participants for the purpose of population health screening. Participant phenotype was not available at the time of variant classification. Additional details can be found in publication PMID: 35346344, PMCID: PMC8962531

Color Diagnostics, LLC DBA Color Health
Classification: Uncertain significance for Cardiomyopathy. Last evaluated: 2024-03-07. Review status: criteria provided, single submitter. Criteria: ACMG Guidelines, 2015. Collection method: clinical testing. Allele origin: germline.
Comment: This missense variant replaces alanine with serine at codon 442 of the RYR2 protein. Computational prediction suggests that this variant may not impact protein structure and function (internally defined REVEL score threshold <= 0.5, PMID: 27666373). To our knowledge, functional studies have not been reported for this variant. This variant has not been reported in individuals affected with RYR2-related disorders in the literature. This variant has been identified in 4/278742 chromosomes in the general population by the Genome Aggregation Database (gnomAD). The available evidence is insufficient to determine the role of this variant in disease conclusively. Therefore, this variant is classified as a Variant of Uncertain Significance.

Ambry Genetics
Classification: Uncertain significance for Cardiovascular phenotype. Last evaluated: 2022-11-29. Review status: criteria provided, single submitter. Criteria: Ambry Variant Classification Scheme 2023. Collection method: clinical testing. Allele origin: germline.
Comment: The p.A442S variant (also known as c.1324G>T), located in coding exon 15 of the RYR2 gene, results from a G to T substitution at nucleotide position 1324. The alanine at codon 442 is replaced by serine, an amino acid with similar properties. This amino acid position is poorly conserved in available vertebrate species. In addition, this alteration is predicted to be tolerated by in silico analysis. Since supporting evidence is limited at this time, the clinical significance of this alteration remains unclear.

NM_001035.3(RYR2):c.1324G>T (p.Ala442Ser)

Gene: RYR2 (ryanodine receptor 2; plus strand). Cytogenetic location: 1q43.
Variant type: single nucleotide variant.
Coding change: c.1324G>T on transcript NM_001035.3 (MANE Select); coding-DNA position 1324, G replaced by T.
Protein change: p.Ala442Ser; replaces alanine 442 with serine.
Molecular consequence: missense variant.
Genome position (GRCh38, 1-based): chr1:237,454,422, G>T. VCF-style: chr1-237454422-G-T. GRCh37 (hg19) VCF-style: chr1-237617722-G-T.
Other names: c.1324G>T, p.Ala442Ser (LRG_402t1); short protein forms A442S.
Identifiers: ClinVar variation 658546 (VCV000658546.16), dbSNP rs747344666, ClinGen allele CA085317.
Genomic context (GRCh38, chr1:237,454,422, plus strand): 5'-AATAGAGAAATGTTTATGGTTTATTTTAGGGGCCTTGATGCTCTCAGCAAGAAAGCGAAG[G>T]CTTCCACAGTCGATTTGCCTATAGAGTCCGTAAGCCTAAGTCTGCAGGATCTCATTGGCT-3'
Protein context (NP_001026.2, residues 432-452): GLDALSKKAK[Ala442Ser]STVDLPIESV